The following is an entry in ClinVar:

ClinVar aggregate classification (germline): Benign/Likely benign. Review status: criteria provided, multiple submitters, no conflicts (2 of 4 stars). 5 submissions from 5 submitters: Benign (3); Likely benign (2). Last evaluated 2026-02-01.

Conditions:
Primary ciliary dyskinesia. Also called: Ciliary dyskinesia. Identifiers: Orphanet 244, MedGen C0008780, MONDO:0016575, HP:0012265.
Primary ciliary dyskinesia 2. Also called: CILIARY DYSKINESIA, PRIMARY, 2, WITH OR WITHOUT SITUS INVERSUS. Identifiers: Orphanet 244, MedGen C1847554, MONDO:0011718, OMIM 606763.

Allele frequency attached by ClinVar (database versions not stated): gnomAD exomes 0.00075 and 0.00212; ExAC 0.00260; ESP Exome Variant Server 0.00807; gnomAD 0.00815 and 0.00882; 1000 Genomes Project 0.00819; TOPMed 0.00905; 1000 Genomes Project 30x 0.00953.
gnomAD v4.1: 2,368 of 1,614,078 alleles (0.15%); highest among the groups gnomAD compares: African/African-American, 2.8%; 34 homozygotes.

Submissions (5):

Labcorp Genetics (formerly Invitae), Labcorp
Classification: Benign for Primary ciliary dyskinesia. Last evaluated: 2026-02-01. Review status: criteria provided, single submitter. Criteria: Invitae Variant Classification Sherloc (09022015). Collection method: clinical testing. Allele origin: germline.

GeneDx
Classification: Likely benign. Last evaluated: 2024-07-26. Review status: criteria provided, single submitter. Criteria: GeneDx Variant Classification Process June 2021. Collection method: clinical testing. Allele origin: germline. Affected: yes.
Comment: See Variant Classification Assertion Criteria.

ARUP Laboratories, Molecular Genetics and Genomics, ARUP Laboratories
Classification: Benign for Primary ciliary dyskinesia 2. Last evaluated: 2023-09-22. Review status: criteria provided, single submitter. Criteria: ARUP Molecular Germline Variant Investigation Process 2024. Collection method: clinical testing. Allele origin: germline.

Ambry Genetics
Classification: Benign for Primary ciliary dyskinesia. Last evaluated: 2016-11-24. Review status: criteria provided, single submitter. Criteria: Ambry Variant Classification Scheme 2023. Collection method: clinical testing. Allele origin: germline.

Breakthrough Genomics
Classification: Likely benign. Review status: criteria provided, single submitter. Criteria: ACMG Guidelines, 2015. Collection method: not provided. Allele origin: germline. Inheritance: Autosomal recessive inheritance. Affected: yes.

NM_001256715.2(DNAAF3):c.1405G>A (p.Val469Met)

Gene: DNAAF3 (dynein axonemal assembly factor 3; minus strand). Cytogenetic location: 19q13.42.
Variant type: single nucleotide variant.
Coding change: c.1405G>A on transcript NM_001256715.2 (MANE Select); coding-DNA position 1405, G replaced by A.
Protein change: p.Val469Met; replaces valine 469 with methionine.
Molecular consequence: missense variant.
Genome position (GRCh38, 1-based): chr19:55,159,283, C>T on the plus strand (G>A on the coding strand, the complement: DNAAF3 is on the minus strand). VCF-style: chr19-55159283-C-T. GRCh37 (hg19) VCF-style: chr19-55670651-C-T.
Other names: c.1243G>A, p.Val415Met (NM_001256716.2); c.1546G>A, p.Val516Met (NM_178837.4); c.1606G>A, p.Val536Met (NM_001256714.1); short protein forms V516M, V536M, V415M, V469M.
Identifiers: ClinVar variation 369295 (VCV000369295.20), dbSNP rs114601492, ClinGen allele CA9667785.